The following is an entry in ClinVar:

NM_001374504.1(TMPRSS6):c.522C>T (p.Val174=)

Gene: TMPRSS6 (transmembrane serine protease 6; minus strand). Cytogenetic location: 22q12.3.
Variant type: single nucleotide variant.
Coding change: c.522C>T on transcript NM_001374504.1 (MANE Select); coding-DNA position 522, C replaced by T.
Protein change: p.Val174=; no amino-acid change (valine 174 retained).
Molecular consequence: synonymous variant.
Genome position (GRCh38, 1-based): chr22:37,095,973, G>A on the plus strand (C>T on the coding strand, the complement: TMPRSS6 is on the minus strand). VCF-style: chr22-37095973-G-A. GRCh37 (hg19) VCF-style: chr22-37492013-G-A.
Other names: c.522C>T, p.Val174= (NM_001289000.2, NM_001289001.2, NM_153609.4).
Identifiers: ClinVar variation 899545 (VCV000899545.10), dbSNP rs116538331, ClinGen allele CA10216055.

ClinVar aggregate classification (germline): Benign/Likely benign. Review status: criteria provided, multiple submitters, no conflicts (2 of 4 stars). 4 submissions from 4 submitters: Benign (3); Likely benign (1). Last evaluated 2025-12-27.

Conditions:
Microcytic anemia. Identifiers: MedGen C5194182, MONDO:0001245, HP:0001935. Disease mechanism: loss of function.

Allele frequency attached by ClinVar (database versions not stated): gnomAD exomes 0.00050 and 0.00136; ExAC 0.00162; 1000 Genomes Project 0.00459; gnomAD 0.00546 and 0.00594; 1000 Genomes Project 30x 0.00562; ESP Exome Variant Server 0.00569; TOPMed 0.00646.
gnomAD v4.1: 1,593 of 1,614,202 alleles (0.099%); highest among the groups gnomAD compares: African/African-American, 1.9%; 18 homozygotes.

Submissions (4):

Labcorp Genetics (formerly Invitae), Labcorp
Classification: Benign. Last evaluated: 2025-12-27. Review status: criteria provided, single submitter. Criteria: Invitae Variant Classification Sherloc (09022015). Collection method: clinical testing. Allele origin: germline.

Blueprint Genetics
Classification: Likely benign. Last evaluated: 2024-10-15. Review status: criteria provided, single submitter. Criteria: ACMG Guidelines, 2015. Collection method: clinical testing. Allele origin: germline.

Illumina Laboratory Services, Illumina
Classification: Benign for Iron-refractory iron deficiency anemia. Last evaluated: 2018-01-12. Review status: criteria provided, single submitter. Criteria: ICSL Variant Classification Criteria 13 December 2019. Collection method: clinical testing. Allele origin: germline.
Comment: This variant was observed in the ICSL laboratory as part of a predisposition screen in an ostensibly healthy population. It had not been previously curated by ICSL or reported in the Human Gene Mutation Database (HGMD: prior to June 1st, 2018), and was therefore a candidate for classification through an automated scoring system. Utilizing variant allele frequency, disease prevalence and penetrance estimates, and inheritance mode, an automated score was calculated to assess if this variant is too frequent to cause the disease. Based on the score and internal cut-off values, a variant classified as benign is not then subjected to further curation. The score for this variant resulted in a classification of benign for this disease.

Breakthrough Genomics
Classification: Benign. Review status: criteria provided, single submitter. Criteria: ACMG Guidelines, 2015. Collection method: not provided. Allele origin: germline. Inheritance: Autosomal recessive inheritance. Affected: yes.